The following is an entry in ClinVar:

NM_201384.3(PLEC):c.13582G>A (p.Gly4528Ser)

Gene: PLEC (plectin; minus strand). Cytogenetic location: 8q24.3.
Variant type: single nucleotide variant.
Coding change: c.13582G>A on transcript NM_201384.3 (MANE Select); coding-DNA position 13582, G replaced by A.
Protein change: p.Gly4528Ser; replaces glycine 4528 with serine.
Molecular consequence: missense variant.
Genome position (GRCh38, 1-based): chr8:143,916,239, C>T on the plus strand (G>A on the coding strand, the complement: PLEC is on the minus strand). VCF-style: chr8-143916239-C-T. GRCh37 (hg19) VCF-style: chr8-144990407-C-T.
Other names: c.10282G>A, p.Gly3428Ser (NM_001410941.1); c.13540G>A, p.Gly4514Ser (NM_201378.4); c.13516G>A, p.Gly4506Ser (NM_201379.3); c.13993G>A, p.Gly4665Ser (NM_201380.4); c.13486G>A, p.Gly4496Ser (NM_201381.3); c.13582G>A, p.Gly4528Ser (NM_201382.4); c.13594G>A, p.Gly4532Ser (NM_201383.3); c.13663G>A, p.Gly4555Ser (NM_000445.5); short protein forms G3428S, G4496S, G4532S, G4506S, G4555S, G4514S, G4528S, G4665S.
Identifiers: ClinVar variation 1991639 (VCV001991639.4), dbSNP rs782500274, ClinGen allele CA4923754.

ClinVar aggregate classification (germline): Uncertain significance (1 of 4 stars; one submission).

Conditions:
Epidermolysis bullosa simplex 5B, with muscular dystrophy (EBS5B). Also called: EPIDERMOLYSIS BULLOSA SIMPLEX AND LIMB-GIRDLE MUSCULAR DYSTROPHY; Epidermolysis bullosa simplex with muscular dystrophy. Identifiers: Orphanet 257, MedGen C2931072, MONDO:0009181, OMIM 226670.
Epidermolysis bullosa simplex, Ogna type (EBS5A). Also called: EPIDERMOLYSIS BULLOSA SIMPLEX 5A, OGNA TYPE; Pidermolysis bullosa simplex 5A, Ogna type. Identifiers: Orphanet 79401, MedGen C0432317, MONDO:0007555, OMIM 131950.
Epidermolysis bullosa simplex 5C, with pyloric atresia (EBS5C). Also called: PLEC-Related Epidermolysis Bullosa with Pyloric Atresia; Epidermolysis bullosa simplex with pyloric atresia; PLEC1-Related Epidermolysis Bullosa with Pyloric Atresia. Identifiers: Orphanet 158684, MedGen C2677349, MONDO:0012807, OMIM 612138.
Autosomal recessive limb-girdle muscular dystrophy type 2Q (LGMDR17). Also called: MUSCULAR DYSTROPHY, LIMB-GIRDLE, AUTOSOMAL RECESSIVE 17. Identifiers: Orphanet 254361, MedGen C3150989, MONDO:0013390, OMIM 613723.
Epidermolysis bullosa simplex with nail dystrophy (EBS5D). Identifiers: MedGen C4225309, MONDO:0014661, OMIM 616487.

Allele frequency attached by ClinVar (database versions not stated): TOPMed below 0.00001; gnomAD 0.00001; gnomAD exomes 0.00002; ExAC 0.00009.
gnomAD v4.1: 26 of 1,546,536 alleles (0.0017%); highest among the groups gnomAD compares: South Asian, 0.013%; no homozygotes.

Submission:

Labcorp Genetics (formerly Invitae), Labcorp
Classification: Uncertain significance for Autosomal recessive limb-girdle muscular dystrophy type 2Q; Epidermolysis bullosa simplex, Ogna type; Epidermolysis bullosa simplex with nail dystrophy; Epidermolysis bullosa simplex 5C, with pyloric atresia; Epidermolysis bullosa simplex 5B, with muscular dystrophy. Last evaluated: 2024-05-08. Review status: criteria provided, single submitter. Criteria: Invitae Variant Classification Sherloc (09022015). Collection method: clinical testing. Allele origin: germline.
Comment: This sequence change replaces glycine, which is neutral and non-polar, with serine, which is neutral and polar, at codon 4555 of the PLEC protein (p.Gly4555Ser). This variant is present in population databases (rs782500274, gnomAD 0.02%). This variant has not been reported in the literature in individuals affected with PLEC-related conditions. ClinVar contains an entry for this variant (Variation ID: 1991639). Experimental studies and prediction algorithms are not available or were not evaluated, and the functional significance of this variant is currently unknown. In summary, the available evidence is currently insufficient to determine the role of this variant in disease. Therefore, it has been classified as a Variant of Uncertain Significance.